The following is an entry in ClinVar:

NM_003978.5(PSTPIP1):c.159C>T (p.Tyr53=)

Gene: PSTPIP1 (proline-serine-threonine phosphatase interacting protein 1; plus strand). Cytogenetic location: 15q24.3.
Variant type: single nucleotide variant.
Coding change: c.159C>T on transcript NM_003978.5 (MANE Select); coding-DNA position 159, C replaced by T.
Protein change: p.Tyr53=; no amino-acid change (tyrosine 53 retained).
Molecular consequence: synonymous variant. On other transcripts: non-coding transcript variant (1).
Genome position (GRCh38, 1-based): chr15:77,018,478, C>T. VCF-style: chr15-77018478-C-T. GRCh37 (hg19) VCF-style: chr15-77310819-C-T.
Other names: c.159C>T, p.Tyr53= (NM_001321135.2); c.132C>T, p.Tyr44= (NM_001321136.2); c.354C>T, p.Tyr118= (NM_001321137.1).
Identifiers: ClinVar variation 751667 (VCV000751667.24), dbSNP rs563906441, ClinGen allele CA7675725.
Genomic context (GRCh38, chr15:77,018,478, plus strand): 5'-AAGTCACTGATGATCTTTCAAATGCCCTTTTTTTTGCAGGGCCCAGGCGGAGGAGCGGTA[C>T]GGGAAGGAGCTGGTGCAGATCGCACGGAAGGCAGGTGGCCAGACGGAGATCAAGTAAGAT-3'
Protein context (NP_003969.2, residues 43-63): LRQRAQAEER[Tyr53=]GKELVQIARK

ClinVar aggregate classification (germline): Likely benign. Review status: criteria provided, multiple submitters, no conflicts (2 of 4 stars). 4 submissions from 4 submitters: Likely benign (4). Last evaluated 2024-10-01.

Conditions:
Pyogenic arthritis-pyoderma gangrenosum-acne syndrome (PAPA). Also called: FAMILIAL RECURRENT ARTHRITIS; PAPA SYNDROME. Identifiers: Orphanet 69126, MedGen C1858361, MONDO:0011462, OMIM 604416.

Allele frequency attached by ClinVar (database versions not stated): gnomAD 0.00004 and 0.00006; gnomAD exomes 0.00006; TOPMed 0.00006; ExAC 0.00018.

Submissions (4):

CeGaT Center for Human Genetics Tuebingen
Classification: Likely benign. Last evaluated: 2024-10-01. Review status: criteria provided, single submitter. Criteria: CeGaT Center For Human Genetics Tuebingen Variant Classification Criteria Version 2. Collection method: clinical testing. Allele origin: germline. Affected: yes. Observed: 1 variant allele.
Comment: PSTPIP1: BP4, BP7

Blueprint Genetics
Classification: Likely benign. Last evaluated: 2024-03-20. Review status: criteria provided, single submitter. Criteria: ACMG Guidelines, 2015. Collection method: clinical testing. Allele origin: germline.

Labcorp Genetics (formerly Invitae), Labcorp
Classification: Likely benign for Pyogenic arthritis-pyoderma gangrenosum-acne syndrome. Last evaluated: 2023-10-22. Review status: criteria provided, single submitter. Criteria: Invitae Variant Classification Sherloc (09022015). Collection method: clinical testing. Allele origin: germline.

Breakthrough Genomics
Classification: Likely benign. Review status: criteria provided, single submitter. Criteria: ACMG Guidelines, 2015. Collection method: not provided. Allele origin: germline. Inheritance: Autosomal dominant inheritance. Affected: yes.